The following is an entry in ClinVar:

ClinVar aggregate classification (germline): Pathogenic (1 of 4 stars; one submission).

Submission:

CeGaT Center for Human Genetics Tuebingen
Classification: Pathogenic. Last evaluated: 2024-12-01. Review status: criteria provided, single submitter. Criteria: CeGaT Center For Human Genetics Tuebingen Variant Classification Criteria Version 2. Collection method: clinical testing. Allele origin: germline. Affected: yes. Observed: 1 variant allele.
Comment: PKD1: PVS1, PM2

NM_001009944.3(PKD1):c.6953del (p.Arg2318fs)

Gene: PKD1 (polycystin 1, transient receptor potential channel interacting; minus strand). Cytogenetic location: 16p13.3.
Variant type: Deletion.
Coding change: c.6953del on transcript NM_001009944.3 (MANE Select); coding-DNA position 6953, one base deleted (G; older notation c.6953delG).
Protein change: p.Arg2318fs; shifts the reading frame from arginine 2318.
Molecular consequence: frameshift variant.
Genome position (GRCh38, 1-based): chr16:2,107,995, C deleted on the plus strand (G on the coding strand, the reverse complement: PKD1 is on the minus strand). VCF-style (leftmost placement, unchanged base first): chr16-2107994-GC-G. GRCh37 (hg19) VCF-style: chr16-2157995-GC-G.
Other names: c.6953del, p.Arg2318fs (NM_000296.4); short protein forms R2318fs.
Identifiers: ClinVar variation 3772030 (VCV003772030.13).
Genomic context (GRCh38, chr16:2,107,994, plus strand): 5'-GAAGGTGTACTCCACGCCAGCCGCCAGCCGCTCCCGTGGAATGGTGACCGTGCTGCTCCC[GC>G]GGGGCCCAAAGTTCAGCGCACACCCGCCAGCCTCCCTCTGCAGGCCGAGAACAAGGGGCG-3'